The following is an entry in ClinVar:

ClinVar aggregate classification (germline): Uncertain significance (1 of 4 stars; one submission).

Allele frequency attached by ClinVar (database versions not stated): gnomAD exomes below 0.00001.
gnomAD v4.1: 1 of 1,604,484 alleles (0.000062%); highest among the groups gnomAD compares: Non-Finnish European, 0.000085%; no homozygotes.

Submission:

Labcorp Genetics (formerly Invitae), Labcorp
Classification: Uncertain significance. Last evaluated: 2022-01-26. Review status: criteria provided, single submitter. Criteria: Invitae Variant Classification Sherloc (09022015). Collection method: clinical testing. Allele origin: germline.
Comment: In summary, the available evidence is currently insufficient to determine the role of this variant in disease. Therefore, it has been classified as a Variant of Uncertain Significance. Algorithms developed to predict the effect of missense changes on protein structure and function (SIFT, PolyPhen-2, Align-GVGD) all suggest that this variant is likely to be tolerated. This variant has not been reported in the literature in individuals affected with EFEMP1-related conditions. This variant is not present in population databases (gnomAD no frequency). This sequence change replaces serine, which is neutral and polar, with asparagine, which is neutral and polar, at codon 329 of the EFEMP1 protein (p.Ser329Asn).

NM_001039348.3(EFEMP1):c.986G>A (p.Ser329Asn)

Gene: EFEMP1 (EGF-like fibulin extracellular matrix protein 1; minus strand). Cytogenetic location: 2p16.1.
Variant type: single nucleotide variant.
Coding change: c.986G>A on transcript NM_001039348.3 (MANE Select); coding-DNA position 986, G replaced by A.
Protein change: p.Ser329Asn; replaces serine 329 with asparagine.
Molecular consequence: missense variant.
Genome position (GRCh38, 1-based): chr2:55,874,960, C>T on the plus strand (G>A on the coding strand, the complement: EFEMP1 is on the minus strand). VCF-style: chr2-55874960-C-T. GRCh37 (hg19) VCF-style: chr2-56102095-C-T.
Other names: c.986G>A, p.Ser329Asn (NM_001039349.3); short protein forms S329N.
Identifiers: ClinVar variation 2065843 (VCV002065843.4), dbSNP rs2465744270, ClinGen allele CA347028580.